The following is an entry in ClinVar:

NM_014444.5(TUBGCP4):c.171G>C (p.Glu57Asp)

Gene: TUBGCP4 (tubulin gamma complex component 4; plus strand). Cytogenetic location: 15q15.3.
Variant type: single nucleotide variant.
Coding change: c.171G>C on transcript NM_014444.5 (MANE Select); coding-DNA position 171, G replaced by C.
Protein change: p.Glu57Asp; replaces glutamic acid 57 with aspartic acid.
Molecular consequence: missense variant.
Genome position (GRCh38, 1-based): chr15:43,376,190, G>C. VCF-style: chr15-43376190-G-C. GRCh37 (hg19) VCF-style: chr15-43668388-G-C.
Other names: c.171G>C, p.Glu57Asp (NM_001286414.3); short protein forms E57D.
Identifiers: ClinVar variation 2039319 (VCV002039319.1), dbSNP rs1486692489, ClinGen allele CA392114982.

ClinVar aggregate classification (germline): Uncertain significance (1 of 4 stars; one submission).

Allele frequency attached by ClinVar (database versions not stated): gnomAD exomes below 0.00001; gnomAD 0.00001; TOPMed 0.00003.
gnomAD v4.1: 5 of 1,613,972 alleles (0.00031%); highest among the groups gnomAD compares: East Asian, 0.0045%; no homozygotes.

Submission:

Labcorp Genetics (formerly Invitae), Labcorp
Classification: Uncertain significance. Last evaluated: 2021-12-10. Review status: criteria provided, single submitter. Criteria: Invitae Variant Classification Sherloc (09022015). Collection method: clinical testing. Allele origin: germline.
Comment: This sequence change replaces glutamic acid, which is acidic and polar, with aspartic acid, which is acidic and polar, at codon 57 of the TUBGCP4 protein (p.Glu57Asp). This variant is present in population databases (no rsID available, gnomAD 0.007%). This variant has not been reported in the literature in individuals affected with TUBGCP4-related conditions. Algorithms developed to predict the effect of missense changes on protein structure and function (SIFT, PolyPhen-2, Align-GVGD) all suggest that this variant is likely to be tolerated. In summary, the available evidence is currently insufficient to determine the role of this variant in disease. Therefore, it has been classified as a Variant of Uncertain Significance.